The following is an entry in ClinVar:

NM_015570.4(AUTS2):c.1517dup (p.Ser507fs)

Gene: AUTS2 (activator of transcription and developmental regulator AUTS2; plus strand). Cytogenetic location: 7q11.22.
Variant type: Duplication.
Coding change: c.1517dup on transcript NM_015570.4 (MANE Select); coding-DNA position 1517, one base duplicated (A; older notation c.1517dupA).
Protein change: p.Ser507fs; shifts the reading frame from serine 507.
Molecular consequence: frameshift variant.
Genome position (GRCh38, 1-based): chr7:70,766,162, A duplicated. VCF-style (leftmost placement, unchanged base first): chr7-70766161-C-CA. GRCh37 (hg19) VCF-style: chr7-70231147-C-CA.
Other names: c.1517dup, p.Ser507fs (NM_001127231.3); short protein forms S507fs.
Identifiers: ClinVar variation 3901012 (VCV003901012.1).

ClinVar aggregate classification (germline): Likely pathogenic (1 of 4 stars; one submission).

Conditions:
Autism spectrum disorder due to AUTS2 deficiency (MRD26). Also called: INTELLECTUAL DEVELOPMENTAL DISORDER, AUTOSOMAL DOMINANT 26. Identifiers: Orphanet 352490, MedGen C4014435, MONDO:0014361, OMIM 615834.

Submission:

Laboratorio de Genetica e Diagnostico Molecular, Hospital Israelita Albert Einstein
Classification: Likely pathogenic for Autism spectrum disorder due to AUTS2 deficiency. Last evaluated: 2024-10-28. Review status: criteria provided, single submitter. Criteria: ACMG Guidelines, 2015. Collection method: clinical testing. Allele origin: germline. Affected: yes.
Comment: ACMG classification criteria: PVS1 very strong, PM2 supporting